The following is an entry in ClinVar:

NM_006306.4(SMC1A):c.824G>A (p.Arg275Gln)

Gene: SMC1A (structural maintenance of chromosomes 1A; minus strand). Cytogenetic location: Xp11.22.
Variant type: single nucleotide variant.
Coding change: c.824G>A on transcript NM_006306.4 (MANE Select); coding-DNA position 824, G replaced by A.
Protein change: p.Arg275Gln; replaces arginine 275 with glutamine.
Molecular consequence: missense variant.
Genome position (GRCh38, 1-based): chrX:53,412,930, C>T on the plus strand (G>A on the coding strand, the complement: SMC1A is on the minus strand). VCF-style: chrX-53412930-C-T. GRCh37 (hg19) VCF-style: chrX-53439880-C-T.
Other names: c.758G>A, p.Arg253Gln (NM_001281463.1); c.824G>A (NM_006306.2); short protein forms R275Q, R253Q.
Identifiers: ClinVar variation 2775947 (VCV002775947.5), dbSNP rs2520960966, ClinGen allele CA413258298.

ClinVar aggregate classification (germline): Uncertain significance. Review status: criteria provided, multiple submitters, no conflicts (2 of 4 stars). 2 submissions from 2 submitters: Uncertain significance (2). Last evaluated 2025-08-16.

Conditions:
Congenital muscular hypertrophy-cerebral syndrome (CDLS2). Also called: Cornelia de Lange syndrome 2; SMC1A-Related Cornelia de Lange Syndrome. Identifiers: Orphanet 199, MedGen C1802395, MONDO:0010370, OMIM 300590.

Allele frequency attached by ClinVar (database versions not stated): gnomAD exomes below 0.00001.
gnomAD v4.1: 2 of 1,198,813 alleles (0.00017%); highest among the groups gnomAD compares: South Asian, 0.0018%; no homozygotes.

Submissions (2):

GeneDx
Classification: Uncertain significance. Last evaluated: 2025-08-16. Review status: criteria provided, single submitter. Criteria: GeneDx Variant Classification Process June 2021. Collection method: clinical testing. Allele origin: germline.
Comment: Not observed at significant frequency in large population cohorts (gnomAD); Missense variants in this gene are a common cause of disease and they are underrepresented in the general population; In silico analysis supports that this missense variant has a deleterious effect on protein structure/function; Has not been previously published as pathogenic or benign to our knowledge

Labcorp Genetics (formerly Invitae), Labcorp
Classification: Uncertain significance for Congenital muscular hypertrophy-cerebral syndrome. Last evaluated: 2024-08-31. Review status: criteria provided, single submitter. Criteria: Invitae Variant Classification Sherloc (09022015). Collection method: clinical testing. Allele origin: germline.
Comment: This sequence change replaces arginine, which is basic and polar, with glutamine, which is neutral and polar, at codon 275 of the SMC1A protein (p.Arg275Gln). This variant is not present in population databases (gnomAD no frequency). This variant has not been reported in the literature in individuals affected with SMC1A-related conditions. Invitae Evidence Modeling of protein sequence and biophysical properties (such as structural, functional, and spatial information, amino acid conservation, physicochemical variation, residue mobility, and thermodynamic stability) has been performed for this missense variant. However, the output from this modeling did not meet the statistical confidence thresholds required to predict the impact of this variant on SMC1A protein function. In summary, the available evidence is currently insufficient to determine the role of this variant in disease. Therefore, it has been classified as a Variant of Uncertain Significance.